The following is an entry in ClinVar:

ClinVar aggregate classification (germline): Pathogenic/Likely pathogenic. Review status: criteria provided, multiple submitters, no conflicts (2 of 4 stars). 3 submissions from 3 submitters: Pathogenic (1); Likely pathogenic (1). 1 of the submissions does not count toward it. Last evaluated 2026-01-05.

Conditions:
Thrombophilia, X-linked, due to factor 9 defect. Identifiers: MedGen C2749016, MONDO:0010432, OMIM 300807.
Hereditary factor IX deficiency disease (HEMB). Also called: F9 DEFICIENCY; FACTOR IX DEFICIENCY; Hemophilia B; PLASMA THROMBOPLASTIN COMPONENT DEFICIENCY; Christmas Disease. Identifiers: Orphanet 98879, MedGen C0008533, MeSH D002836, MONDO:0010604, OMIM 306900.
Hemophilia B leyden. Identifiers: Orphanet 617930, MedGen C5848256, MONDO:0850054.

Allele frequency attached by ClinVar (database versions not stated): TOPMed 0.00005.

Submissions (3):

Labcorp Genetics (formerly Invitae), Labcorp
Classification: Pathogenic for Thrombophilia, X-linked, due to factor 9 defect; Hereditary factor IX deficiency disease. Last evaluated: 2026-01-05. Review status: criteria provided, single submitter. Criteria: Invitae Variant Classification Sherloc (09022015). Collection method: clinical testing. Allele origin: germline.
Comment: This variant occurs in a non-coding region of the F9 gene. It does not change the encoded amino acid sequence of the F9 protein. This variant is not present in population databases (gnomAD no frequency). This variant has been observed in individuals with hemophilia B (PMID: 2917196, 8055323, 17014892). This variant is also known as A13G or +13A>G. ClinVar contains an entry for this variant (Variation ID: 10646). Algorithms developed to predict the effect of variants on gene product structure and function are not available or were not evaluated for this variant. Experimental studies have shown that this variant affects F9 function (PMID: 2342576). Algorithms developed to predict the effect of sequence changes on RNA splicing suggest that this variant may create or strengthen a splice site. For these reasons, this variant has been classified as Pathogenic.

Mayo Clinic Laboratories, Mayo Clinic
Classification: Likely pathogenic. Last evaluated: 2024-07-19. Review status: criteria provided, single submitter. Criteria: ACMG Guidelines, 2015. Collection method: clinical testing. Allele origin: germline. Observed: 4 variant alleles.
Comment: PP4, PM1, PM2_supporting, PS4_moderate

OMIM
Classification: Pathogenic for HEMOPHILIA B LEYDEN. Last evaluated: 1989-02-15. Review status: no assertion criteria provided. Collection method: literature only. Allele origin: germline. Not counted in ClinVar's aggregate classification.

Literature cited by the submitters: PubMed 2917196 (cited by 3 submitters); PubMed 8055323 (cited by Labcorp Genetics (formerly Invitae), Labcorp and Mayo Clinic Laboratories, Mayo Clinic); PubMed 17014892 (cited by Labcorp Genetics (formerly Invitae), Labcorp and Mayo Clinic Laboratories, Mayo Clinic); PubMed 2342576 (cited by Labcorp Genetics (formerly Invitae), Labcorp and Mayo Clinic Laboratories, Mayo Clinic); PubMed 11328285 (cited by Mayo Clinic Laboratories, Mayo Clinic); PubMed 1631121 (cited by Mayo Clinic Laboratories, Mayo Clinic); PubMed 20301668 (cited by Mayo Clinic Laboratories, Mayo Clinic); PubMed 2198809 (cited by Mayo Clinic Laboratories, Mayo Clinic); PubMed 23472758 (cited by Mayo Clinic Laboratories, Mayo Clinic); PubMed 23617593 (cited by Mayo Clinic Laboratories, Mayo Clinic); PubMed 24138812 (cited by Mayo Clinic Laboratories, Mayo Clinic); PubMed 2565449 (cited by Mayo Clinic Laboratories, Mayo Clinic); PubMed 29296726 (cited by Mayo Clinic Laboratories, Mayo Clinic); PubMed 31395865 (cited by Mayo Clinic Laboratories, Mayo Clinic); PubMed 38964254 (cited by Mayo Clinic Laboratories, Mayo Clinic).

NM_000133.4(F9):c.-17A>G

Gene: F9 (coagulation factor IX; plus strand). Cytogenetic location: Xq27.1.
Variant type: single nucleotide variant.
Coding change: c.-17A>G on transcript NM_000133.4 (MANE Select); 17 bases upstream of the start codon, A replaced by G.
Molecular consequence: 5 prime UTR variant.
Genome position (GRCh38, 1-based): chrX:139,530,748, A>G. VCF-style: chrX-139530748-A-G. GRCh37 (hg19) VCF-style: chrX-138612907-A-G.
Other names: F9, +13A-G; p.?; +13A-G; c.-17A>G (NM_001313913.2).
Identifiers: ClinVar variation 10646 (VCV000010646.6), dbSNP rs1927322926, ClinGen allele CA2461402141.
Genomic context (GRCh38, chrX:139,530,748, plus strand): 5'-AGAAGTAAATACAGCTCAGCTTGTACTTTGGTACAACTAATCGACCTTACCACTTTCACA[A>G]TCTGCTAGCAAAGGTTATGCAGCGCGTGAACATGATCATGGCAGAATCACCAGGCCTCAT-3'